The following is an entry in ClinVar:

NM_004667.6(HERC2):c.7467A>G (p.Ala2489=)

Gene: HERC2 (HECT and RLD domain containing E3 ubiquitin protein ligase 2; minus strand). Cytogenetic location: 15q13.1.
Variant type: single nucleotide variant.
Coding change: c.7467A>G on transcript NM_004667.6 (MANE Select); coding-DNA position 7467, A replaced by G.
Protein change: p.Ala2489=; no amino-acid change (alanine 2489 retained).
Molecular consequence: synonymous variant.
Genome position (GRCh38, 1-based): chr15:28,202,360, T>C on the plus strand (A>G on the coding strand, the complement: HERC2 is on the minus strand). VCF-style: chr15-28202360-T-C. GRCh37 (hg19) VCF-style: chr15-28447506-T-C.
Identifiers: ClinVar variation 4923712 (VCV004923712.2).

ClinVar aggregate classification (germline): Likely benign. Review status: criteria provided, multiple submitters, no conflicts (2 of 4 stars). 2 submissions from 2 submitters: Likely benign (2). Last evaluated 2026-07-01.

gnomAD v4.1: 639 of 1,613,382 alleles (0.04%); highest among the groups gnomAD compares: South Asian, 0.4%; 2 homozygotes.

Submissions (2):

CeGaT Center for Human Genetics Tuebingen
Classification: Likely benign. Last evaluated: 2026-07-01. Review status: criteria provided, single submitter. Criteria: CeGaT Center For Human Genetics Tuebingen Variant Classification Criteria Version 2. Collection method: clinical testing. Allele origin: germline. Affected: yes. Observed: 1 variant allele.
Comment: HERC2: BP4, BP7

Blueprint Genetics
Classification: Likely benign. Last evaluated: 2024-08-17. Review status: criteria provided, single submitter. Criteria: ACMG Guidelines, 2015. Collection method: clinical testing. Allele origin: germline.